The following is an entry in ClinVar:

ClinVar aggregate classification (germline): Uncertain significance (1 of 4 stars; one submission).

Conditions:
Pierpont syndrome (PRPTS). Identifiers: Orphanet 487825, MedGen C1865644, MONDO:0011213, OMIM 602342.

Allele frequency attached by ClinVar (database versions not stated): gnomAD exomes below 0.00001.
gnomAD v4.1: 2 of 1,613,740 alleles (0.00012%); highest among the groups gnomAD compares: Non-Finnish European, 0.00017%; no homozygotes.

Submission:

Labcorp Genetics (formerly Invitae), Labcorp
Classification: Uncertain significance for Pierpont syndrome. Last evaluated: 2024-10-24. Review status: criteria provided, single submitter. Criteria: Invitae Variant Classification Sherloc (09022015). Collection method: clinical testing. Allele origin: germline.
Comment: This sequence change replaces serine, which is neutral and polar, with asparagine, which is neutral and polar, at codon 181 of the TBL1XR1 protein (p.Ser181Asn). This variant is present in population databases (no rsID available, gnomAD 0.0009%). This variant has not been reported in the literature in individuals affected with TBL1XR1-related conditions. ClinVar contains an entry for this variant (Variation ID: 658205). Invitae Evidence Modeling of protein sequence and biophysical properties (such as structural, functional, and spatial information, amino acid conservation, physicochemical variation, residue mobility, and thermodynamic stability) indicates that this missense variant is not expected to disrupt TBL1XR1 protein function with a negative predictive value of 95%. In summary, the available evidence is currently insufficient to determine the role of this variant in disease. Therefore, it has been classified as a Variant of Uncertain Significance.

NM_024665.7(TBL1XR1):c.542G>A (p.Ser181Asn)

Gene: TBL1XR1 (TBL1X/Y related 1; minus strand). Cytogenetic location: 3q26.32.
Variant type: single nucleotide variant.
Coding change: c.542G>A on transcript NM_024665.7 (MANE Select); coding-DNA position 542, G replaced by A.
Protein change: p.Ser181Asn; replaces serine 181 with asparagine.
Molecular consequence: missense variant.
Genome position (GRCh38, 1-based): chr3:177,050,496, C>T on the plus strand (G>A on the coding strand, the complement: TBL1XR1 is on the minus strand). VCF-style: chr3-177050496-C-T. GRCh37 (hg19) VCF-style: chr3-176768284-C-T.
Other names: c.542G>A, p.Ser181Asn (NM_001321193.3, NM_001321194.3, NM_001374327.1 and 2 more transcripts); c.281G>A, p.Ser94Asn (NM_001321195.3, NM_001374330.1); short protein forms S181N, S94N.
Identifiers: ClinVar variation 658205 (VCV000658205.8), dbSNP rs1367919718, ClinGen allele CA355552752.